The following is an entry in ClinVar:

ClinVar aggregate classification (germline): Likely pathogenic (1 of 4 stars; one submission).

Conditions:
Rett syndrome (RTT). Also called: AUTISM, DEMENTIA, ATAXIA, AND LOSS OF PURPOSEFUL HAND USE; Rett's disorder. Identifiers: Orphanet 3095, Orphanet 778, MedGen C0035372, MONDO:0010726, OMIM 312750.

Submission:

Centre for Population Genomics, CPG
Classification: Likely pathogenic for Rett syndrome. Last evaluated: 2024-12-19. Review status: criteria provided, single submitter. Criteria: McKnight et al. (Hum Mutat. 2022). Collection method: curation. Allele origin: germline. Inheritance: X-linked inheritance.
Comment: Based on the classification scheme defined by the ClinGen Rett/Angelman-like Expert Panel for Rett/AS-like Disorders Specifications to the ACMG/AMP Variant Interpretation Guidelines VCEP 3.0, this variant is classified as likely pathogenic. At least the following criteria are met: Predicted to result in loss of function, and LOF is a known mechanism of disease (PVS1). This variant is absent from gnomAD (PM2_Supporting).

NM_001323289.2(CDKL5):c.433del (p.His145fs)

Gene: CDKL5 (cyclin dependent kinase like 5; plus strand). Cytogenetic location: Xp22.13.
Variant type: Deletion.
Coding change: c.433del on transcript NM_001323289.2 (MANE Select); coding-DNA position 433, one base deleted (C; older notation c.433delC).
Protein change: p.His145fs; shifts the reading frame from histidine 145.
Molecular consequence: frameshift variant.
Genome position (GRCh38, 1-based): chrX:18,581,920, C deleted; the last of 2 consecutive C bases (chrX:18,581,919-18,581,920); deleting either gives the same sequence. VCF-style (leftmost placement, unchanged base first): chrX-18581918-GC-G. GRCh37 (hg19) VCF-style: chrX-18600038-GC-G.
Other names: NM_003159.3:c.433del; c.433del, p.His145fs (NM_001037343.2, NM_003159.3); short protein forms H145fs.
Identifiers: ClinVar variation 3602026 (VCV003602026.1).
Genomic context (GRCh38, chrX:18,581,918, plus strand): 5'-TTTACTAATTTTTTTTTTATCTTGACACTCCAGATATAAAACCAGAAAATCTCTTAATCA[GC>G]CACAATGATGTCCTAAAACTGTGTGACTTTGGTAAGTTAAAAAGAAATTAAGTCCTGGTA-3'